The following is an entry in ClinVar:

NM_003721.4(RFXANK):c.188-21C>T

Gene: RFXANK (regulatory factor X associated ankyrin containing protein; plus strand). Cytogenetic location: 19p13.11.
Variant type: single nucleotide variant.
Coding change: c.188-21C>T on transcript NM_003721.4 (MANE Select); 21 bases into the intron before coding-DNA position 188, C replaced by T.
Molecular consequence: intron variant.
Genome position (GRCh38, 1-based): chr19:19,196,942, C>T. VCF-style: chr19-19196942-C-T. GRCh37 (hg19) VCF-style: chr19-19307751-C-T.
Other names: c.188-21C>T (NM_001278727.2, NM_001370238.1, NM_001370233.1 and 1 more transcripts); c.188-24C>T (NM_134440.3, NM_001370235.1, NM_001370237.1 and 2 more transcripts).
Identifiers: ClinVar variation 3036806 (VCV003036806.2), dbSNP rs200846454, ClinGen allele CA9322625.

ClinVar aggregate classification (germline): Likely benign (0 of 4 stars; one submission).

Conditions:
RFXANK-related disorder. Also called: RFXANK-related condition.

Allele frequency attached by ClinVar (database versions not stated): gnomAD exomes 0.00005; ExAC 0.00008; TOPMed 0.00014; gnomAD 0.00015; ESP Exome Variant Server 0.00031; 1000 Genomes Project 0.00040; 1000 Genomes Project 30x 0.00047.
gnomAD v4.1: 93 of 1,603,938 alleles (0.0058%); highest among the groups gnomAD compares: African/African-American, 0.047%; no homozygotes.

Submission:

PreventionGenetics, part of Exact Sciences
Classification: Likely benign for RFXANK-related condition. Last evaluated: 2023-07-31. Review status: no assertion criteria provided. Collection method: clinical testing. Allele origin: germline.
Comment: This variant is classified as likely benign based on ACMG/AMP sequence variant interpretation guidelines (Richards et al. 2015 PMID: 25741868, with internal and published modifications).